The following is an entry in ClinVar:

ClinVar aggregate classification (germline): Uncertain significance (1 of 4 stars; one submission).

Submission:

Labcorp Genetics (formerly Invitae), Labcorp
Classification: Uncertain significance. Last evaluated: 2024-02-18. Review status: criteria provided, single submitter. Criteria: Invitae Variant Classification Sherloc (09022015). Collection method: clinical testing. Allele origin: germline.
Comment: This sequence change replaces alanine, which is neutral and non-polar, with proline, which is neutral and non-polar, at codon 1260 of the NSD1 protein (p.Ala1260Pro). This variant is not present in population databases (gnomAD no frequency). This variant has not been reported in the literature in individuals affected with NSD1-related conditions. Advanced modeling of protein sequence and biophysical properties (such as structural, functional, and spatial information, amino acid conservation, physicochemical variation, residue mobility, and thermodynamic stability) performed at Invitae indicates that this missense variant is not expected to disrupt NSD1 protein function with a negative predictive value of 95%. In summary, the available evidence is currently insufficient to determine the role of this variant in disease. Therefore, it has been classified as a Variant of Uncertain Significance.

NM_022455.5(NSD1):c.3778G>C (p.Ala1260Pro)

Gene: NSD1 (nuclear receptor binding SET domain protein 1; plus strand). Cytogenetic location: 5q35.3.
Variant type: single nucleotide variant.
Coding change: c.3778G>C on transcript NM_022455.5 (MANE Select); coding-DNA position 3778, G replaced by C.
Protein change: p.Ala1260Pro; replaces alanine 1260 with proline.
Molecular consequence: missense variant.
Genome position (GRCh38, 1-based): chr5:177,212,177, G>C. VCF-style: chr5-177212177-G-C. GRCh37 (hg19) VCF-style: chr5-176639178-G-C.
Other names: c.2905G>C, p.Ala969Pro (NM_001365684.2, NM_001409306.1, NM_001409307.1 and 3 more transcripts); c.3778G>C, p.Ala1260Pro (NM_001409301.1, NM_001409302.1, NM_001409303.1); c.3358G>C, p.Ala1120Pro (NM_001409304.1); c.3025G>C, p.Ala1009Pro (NM_001409305.1); short protein forms A1009P, A1120P, A969P, A1260P.
Identifiers: ClinVar variation 3635579 (VCV003635579.2).